The following is an entry in ClinVar:

NM_001009944.3(PKD1):c.2421C>G (p.Ser807=)

Gene: PKD1 (polycystin 1, transient receptor potential channel interacting; minus strand). Cytogenetic location: 16p13.3.
Variant type: single nucleotide variant.
Coding change: c.2421C>G on transcript NM_001009944.3 (MANE Select); coding-DNA position 2421, C replaced by G.
Protein change: p.Ser807=; no amino-acid change (serine 807 retained).
Molecular consequence: synonymous variant.
Genome position (GRCh38, 1-based): chr16:2,114,602, G>C on the plus strand (C>G on the coding strand, the complement: PKD1 is on the minus strand). VCF-style: chr16-2114602-G-C. GRCh37 (hg19) VCF-style: chr16-2164603-G-C.
Other names: c.2421C>G, p.Ser807= (NM_000296.4).
Identifiers: ClinVar variation 1030951 (VCV001030951.2), dbSNP rs2092598341, ClinGen allele CA493049492.

ClinVar aggregate classification (germline): Uncertain significance. Review status: criteria provided, multiple submitters, no conflicts (2 of 4 stars). 2 submissions from 2 submitters: Uncertain significance (2). Last evaluated 2024-01-01.

Conditions:
Polycystic kidney disease, adult type (PKD1). Also called: POLYCYSTIC KIDNEY DISEASE 1 WITH OR WITHOUT POLYCYSTIC LIVER DISEASE; POLYCYSTIC KIDNEY DISEASE, ADULT, TYPE I; Polycystic Kidney Disease 1, Autosomal Dominant; Polycystic kidney disease 1; Polycystic kidney disease 1, severe; Polycystic Kidney, Autosomal Dominant. Identifiers: MedGen C3149841, MONDO:0008263, OMIM 173900.

gnomAD v4.1: 1 of 1,588,268 alleles (0.000063%); highest among the groups gnomAD compares: Non-Finnish European, 0.000085%; no homozygotes.

Submissions (2):

Daryl Scott Lab, Baylor College of Medicine
Classification: Uncertain significance for Polycystic kidney disease, adult type. Last evaluated: 2024-01-01. Review status: criteria provided, single submitter. Criteria: ACMG Guidelines, 2015. Collection method: clinical testing. Allele origin: unknown. Observed: 1 heterozygote.
Comment: BP4, PM2

Baylor Genetics
Classification: Uncertain significance for Polycystic kidney disease, adult type. Last evaluated: 2019-08-03. Review status: criteria provided, single submitter. Criteria: ACMG Guidelines, 2015. Collection method: clinical testing. Allele origin: unknown. Affected: yes.
Comment: This variant was determined to be of uncertain significance according to ACMG Guidelines, 2015 [PMID:25741868].